The following is an entry in ClinVar:

NM_001267550.2(TTN):c.61614del (p.Ala20539fs)

Genes: TTN-AS1 (TTN antisense RNA 1; plus strand), TTN (titin; minus strand). Cytogenetic location: 2q31.2.
Variant type: Deletion.
Coding change: c.61614del on transcript NM_001267550.2 (MANE Select); coding-DNA position 61614, one base deleted (A; older notation c.61614delA).
Protein change: p.Ala20539fs; shifts the reading frame from alanine 20539.
Molecular consequence: frameshift variant.
Genome position (GRCh38, 1-based): chr2:178,590,111, T deleted on the plus strand (A on the coding strand, the reverse complement: TTN is on the minus strand); the first of 2 consecutive T bases (chr2:178,590,111-178,590,112); deleting either gives the same sequence. VCF-style (leftmost placement, unchanged base first): chr2-178590110-CT-C. GRCh37 (hg19) VCF-style: chr2-179454837-CT-C.
Other names: c.56691del, p.Ala18898fs (NM_001256850.1); c.34419del, p.Ala11474fs (NM_003319.4); c.53910del, p.Ala17971fs (NM_133378.4); c.34794del, p.Ala11599fs (NM_133432.3); c.34995del, p.Ala11666fs (NM_133437.4); c.53910delA (NM_133378.4); short protein forms A11474fs, A11599fs, A11666fs, A17971fs, A18898fs, A20539fs.
Identifiers: ClinVar variation 2501279 (VCV002501279.4), dbSNP rs2469421683, ClinGen allele CA2580614500.

ClinVar aggregate classification (germline): Likely pathogenic. Review status: criteria provided, multiple submitters, no conflicts (2 of 4 stars). 2 submissions from 2 submitters: Likely pathogenic (2). Last evaluated 2023-05-22.

Conditions:
Autosomal recessive limb-girdle muscular dystrophy type 2J (LGMDR10). Also called: MUSCULAR DYSTROPHY, LIMB-GIRDLE, AUTOSOMAL RECESSIVE 10; Limb-girdle muscular dystrophy, type 2J. Identifiers: Orphanet 140922, MedGen C1837342, MONDO:0012127, OMIM 608807.
Dilated cardiomyopathy 1G (CMD1G). Identifiers: Orphanet 154, MedGen C1858763, MONDO:0011400, OMIM 604145.
Primary familial dilated cardiomyopathy (FDC). Also called: Hypokinetic dilated cardiomyopathy, familial; Familial dilated cardiomyopathy. Identifiers: Orphanet 217607, MedGen C0340427, MONDO:0016333.

Submissions (2):

Labcorp Genetics (formerly Invitae), Labcorp
Classification: Likely pathogenic for Dilated cardiomyopathy 1G; Autosomal recessive limb-girdle muscular dystrophy type 2J. Last evaluated: 2023-05-22. Review status: criteria provided, single submitter. Criteria: Invitae Variant Classification Sherloc (09022015). Collection method: clinical testing. Allele origin: germline.
Comment: In summary, the currently available evidence indicates that the variant is pathogenic, but additional data are needed to prove that conclusively. Therefore, this variant has been classified as Likely Pathogenic. This variant is located in the A band of TTN (PMID: 25589632). Truncating variants in this region are significantly overrepresented in patients affected with dilated cardiomyopathy (PMID: 25589632). Truncating variants in this region have also been reported in individuals affected with autosomal recessive centronuclear myopathy (PMID: 23975875). This variant has not been reported in the literature in individuals affected with TTN-related conditions. This variant is not present in population databases (gnomAD no frequency). This sequence change creates a premature translational stop signal (p.Ala20539Leufs*38) in the TTN gene. While this is not anticipated to result in nonsense mediated decay, it is expected to create a truncated TTN protein.

Women's Health and Genetics/Laboratory Corporation of America, LabCorp
Classification: Likely pathogenic for Primary familial dilated cardiomyopathy. Last evaluated: 2023-03-08. Review status: criteria provided, single submitter. Criteria: LabCorp Variant Classification Summary - May 2015. Collection method: clinical testing. Allele origin: germline.
Comment: Variant summary: TTN c.53910delA (p.Ala17971LeufsX38) results in a premature termination codon, predicted to cause a truncation of the encoded protein or absence of the protein due to nonsense mediated decay, which are commonly known mechanisms for disease. Truncations downstream of this position have been classified as pathogenic by our laboratory. The variant was absent in 248132 control chromosomes. To our knowledge, no occurrence of c.53910delA in individuals affected with Dilated Cardiomyopathy and no experimental evidence demonstrating its impact on protein function have been reported. No clinical diagnostic laboratories have submitted clinical-significance assessments for this variant to ClinVar after 2014. Based on the evidence outlined above, the variant was classified as likely pathogenic.

Literature cited by the submitters: PubMed 25589632 (cited by Labcorp Genetics (formerly Invitae), Labcorp); PubMed 23975875 (cited by Labcorp Genetics (formerly Invitae), Labcorp).